The following is an entry in ClinVar:

ClinVar aggregate classification (germline): Likely pathogenic (1 of 4 stars; one submission).

Conditions:
Intellectual developmental disorder, X-linked 30. Also called: MENTAL RETARDATION, X-LINKED 47; Intellectual disability, X-linked 30. Identifiers: Orphanet 777, MedGen C0796237, MONDO:0010361, OMIM 300558.

Submission:

Institute of Immunology and Genetics Kaiserslautern
Classification: Likely pathogenic for Intellectual developmental disorder, X-linked 30. Last evaluated: 2024-05-02. Review status: criteria provided, single submitter. Criteria: ACMG Guidelines, 2015. Collection method: clinical testing. Allele origin: maternal. Affected: yes.
Comment: ACMG Criteria: PM2, PVS1; Variant was found in hemizygous state

NM_002578.5(PAK3):c.276+1G>T

Gene: PAK3 (p21 (RAC1) activated kinase 3; plus strand). Cytogenetic location: Xq23.
Variant type: single nucleotide variant.
Coding change: c.276+1G>T on transcript NM_002578.5 (MANE Select); the canonical splice donor site of the intron after coding-DNA position 276, G replaced by T.
Molecular consequence: splice donor variant.
Genome position (GRCh38, 1-based): chrX:111,142,197, G>T. VCF-style: chrX-111142197-G-T. GRCh37 (hg19) VCF-style: chrX-110385425-G-T.
Other names: c.276+1G>T (NM_001324329.2, NM_001324327.2, NM_001324331.2 and 12 more transcripts).
Identifiers: ClinVar variation 3251947 (VCV003251947.1), dbSNP rs2523369005.
Genomic context (GRCh38, chrX:111,142,197, plus strand): 5'-CCTTCAGACTTTGAGCATACGATTCATGTGGGGTTTGATGCAGTCACCGGGGAATTCACT[G>T]TAAGTAAGCTCCTTGTTTTGTTTTGTAAGCCACGAAAGAATTCCTTTGTGAAAATAGTTT-3'